The following is an entry in ClinVar:

ClinVar aggregate classification (germline): Conflicting classifications of pathogenicity. Review status: criteria provided, conflicting classifications (1 of 4 stars). 4 submissions from 4 submitters: Pathogenic (1); Likely pathogenic (2); Uncertain significance (1). Last evaluated 2026-02-03.

Conditions:
Familial aortopathy. Identifiers: MedGen CN078214.
Arterial tortuosity syndrome (ATORS). Identifiers: Orphanet 3342, MedGen C1859726, MONDO:0008818, OMIM 208050.

Allele frequency attached by ClinVar (database versions not stated): gnomAD 0.00005; ExAC 0.00008; ESP Exome Variant Server 0.00015; TOPMed 0.00003; 1000 Genomes Project 30x 0.00016; 1000 Genomes Project 0.00020.
gnomAD v4.1: 41 of 1,614,138 alleles (0.0025%); highest among the groups gnomAD compares: South Asian, 0.012%; no homozygotes.

Submissions (4):

Dasa
Classification: Likely pathogenic. Last evaluated: 2026-02-03. Review status: criteria provided, single submitter. Criteria: DASA Assertion Criteria. Collection method: clinical testing. Allele origin: germline.
Comment: NM_030777.4(SLC2A10):c.395G>A (p.Arg132Gln) is a missense variant that results in the substitution of arginine with glutamine. The affected residue or protein region has prior evidence supporting clinical relevance. This variant has been reported in individuals with SLC2A10-related disorders (PMID: 29323665). Also, this variant is rare in population databases. Computational evidence supports a deleterious effect. Based on the currently available evidence, this variant is classified as likely pathogenic.

Labcorp Genetics (formerly Invitae), Labcorp
Classification: Pathogenic for Arterial tortuosity syndrome. Last evaluated: 2026-01-21. Review status: criteria provided, single submitter. Criteria: Invitae Variant Classification Sherloc (09022015). Collection method: clinical testing. Allele origin: germline.
Comment: This sequence change replaces arginine, which is basic and polar, with glutamine, which is neutral and polar, at codon 132 of the SLC2A10 protein (p.Arg132Gln). This variant is present in population databases (rs376346077, gnomAD 0.01%). This missense change has been observed in individual(s) with arterial tortuosity syndrome (PMID: 29323665). ClinVar contains an entry for this variant (Variation ID: 1342029). Invitae Evidence Modeling of protein sequence and biophysical properties (such as structural, functional, and spatial information, amino acid conservation, physicochemical variation, residue mobility, and thermodynamic stability) indicates that this missense variant is expected to disrupt SLC2A10 protein function with a positive predictive value of 95%. This variant disrupts the p.Arg132 amino acid residue in SLC2A10. Other variant(s) that disrupt this residue have been determined to be pathogenic (PMID: 17935213, 28726533, 29543232). This suggests that this residue is clinically significant, and that variants that disrupt this residue are likely to be disease-causing. For these reasons, this variant has been classified as Pathogenic.

Women's Health and Genetics/Laboratory Corporation of America, LabCorp
Classification: Likely pathogenic for Familial aortopathy. Last evaluated: 2025-05-22. Review status: criteria provided, single submitter. Criteria: LabCorp Variant Classification Summary - May 2015. Collection method: clinical testing. Allele origin: germline.
Comment: Variant summary: SLC2A10 c.395G>A (p.Arg132Gln) results in a conservative amino acid change in the encoded protein sequence. Algorithms developed to predict the effect of missense changes on protein structure and function are either unavailable or do not agree on the potential impact of this missense change. The variant allele was found at a frequency of 6e-05 in 251334 control chromosomes (gnomAD). This frequency is not significantly higher than estimated for a pathogenic variant in SLC2A10 causing Aortopathy (0.0016), allowing no conclusion about variant significance. c.395G>A has been observed in compound heterozygous and homozygous state in individuals affected with Aortopathy (e.g. Beyens_2018). These data indicate that the variant may be associated with disease. In addition, a different variant affecting the same codon has been classified as likely pathogenic/pathogenic by our lab (c.394C>T, p.Arg132Trp), supporting the critical relevance of codon 132 to SLC2A10 protein function. To our knowledge, no experimental evidence demonstrating an impact on protein function has been reported. The following publications have been ascertained in the context of this evaluation (PMID: 30090112, 29323665). ClinVar contains an entry for this variant (Variation ID: 1342029). Based on the evidence outlined above, the variant was classified as likely pathogenic.

GeneDx
Classification: Uncertain significance. Last evaluated: 2022-06-22. Review status: criteria provided, single submitter. Criteria: GeneDx Variant Classification Process June 2021. Collection method: clinical testing. Allele origin: germline. Affected: yes.
Comment: Has not been previously published as pathogenic or benign to our knowledge; Not observed at significant frequency in large population cohorts (gnomAD); In silico analysis supports that this missense variant has a deleterious effect on protein structure/function; This variant is associated with the following publications: (PMID: 30090112)

Literature cited by the submitters: PubMed 29323665 (cited by 3 submitters); PubMed 17935213 (cited by Labcorp Genetics (formerly Invitae), Labcorp); PubMed 28726533 (cited by Labcorp Genetics (formerly Invitae), Labcorp); PubMed 29543232 (cited by Labcorp Genetics (formerly Invitae), Labcorp); PubMed 30090112 (cited by Women's Health and Genetics/Laboratory Corporation of America, LabCorp).

NM_030777.4(SLC2A10):c.395G>A (p.Arg132Gln)

Gene: SLC2A10 (solute carrier family 2 member 10; plus strand). Cytogenetic location: 20q13.12.
Variant type: single nucleotide variant.
Coding change: c.395G>A on transcript NM_030777.4 (MANE Select); coding-DNA position 395, G replaced by A.
Protein change: p.Arg132Gln; replaces arginine 132 with glutamine.
Molecular consequence: missense variant.
Genome position (GRCh38, 1-based): chr20:46,725,431, G>A. VCF-style: chr20-46725431-G-A. GRCh37 (hg19) VCF-style: chr20-45354070-G-A.
Other names: short protein forms R132Q.
Identifiers: ClinVar variation 1342029 (VCV001342029.11), dbSNP rs376346077, ClinGen allele CA9891969.